The following is an entry in ClinVar:

ClinVar aggregate classification (germline): Uncertain significance (1 of 4 stars; one submission).

Allele frequency attached by ClinVar (database versions not stated): ExAC 0.00009; ESP Exome Variant Server 0.00015; gnomAD 0.00016; TOPMed 0.00022.
gnomAD v4.1: 65 of 1,612,860 alleles (0.004%); highest among the groups gnomAD compares: African/African-American, 0.067%; no homozygotes.

Submission:

Labcorp Genetics (formerly Invitae), Labcorp
Classification: Uncertain significance. Last evaluated: 2022-07-26. Review status: criteria provided, single submitter. Criteria: Invitae Variant Classification Sherloc (09022015). Collection method: clinical testing. Allele origin: germline.
Comment: This sequence change replaces valine, which is neutral and non-polar, with isoleucine, which is neutral and non-polar, at codon 763 of the SLC4A11 protein (p.Val763Ile). This variant is present in population databases (rs144846584, gnomAD 0.06%). This variant has not been reported in the literature in individuals affected with SLC4A11-related conditions. Algorithms developed to predict the effect of missense changes on protein structure and function output the following: SIFT: "Tolerated"; PolyPhen-2: "Benign"; Align-GVGD: "Class C0". The isoleucine amino acid residue is found in multiple mammalian species, which suggests that this missense change does not adversely affect protein function. In summary, the available evidence is currently insufficient to determine the role of this variant in disease. Therefore, it has been classified as a Variant of Uncertain Significance.

NM_001174089.2(SLC4A11):c.2239G>A (p.Val747Ile)

Gene: SLC4A11 (solute carrier family 4 member 11; minus strand). Cytogenetic location: 20p13.
Variant type: single nucleotide variant.
Coding change: c.2239G>A on transcript NM_001174089.2 (MANE Select); coding-DNA position 2239, G replaced by A.
Protein change: p.Val747Ile; replaces valine 747 with isoleucine.
Molecular consequence: missense variant. On other transcripts: non-coding transcript variant (3).
Genome position (GRCh38, 1-based): chr20:3,228,661, C>T on the plus strand (G>A on the coding strand, the complement: SLC4A11 is on the minus strand). VCF-style: chr20-3228661-C-T. GRCh37 (hg19) VCF-style: chr20-3209307-C-T.
Other names: c.2368G>A, p.Val790Ile (NM_001174090.2); c.2125G>A, p.Val709Ile (NM_001363745.2); c.2182G>A, p.Val728Ile (NM_001400277.1, NM_001400278.1, NM_001400279.1); c.2254G>A, p.Val752Ile (NM_001400280.1); c.2287G>A, p.Val763Ile (NM_032034.4); short protein forms V752I, V763I, V709I, V747I, V728I, V790I.
Identifiers: ClinVar variation 2042188 (VCV002042188.1), dbSNP rs144846584, ClinGen allele CA9741518.
Genomic context (GRCh38, chr20:3,228,661, plus strand): 5'-CGGGCTTGGGGATCCACTGAAGCGGGACCGGCAGCAGCAACAGGGACAGGCCCACCAGGA[C>T]GCTGGCGCCCAGCGAGGTCAGCCGCGTCTCCTTCACGTTCACAATCCTGCGGTGGCCCGA-3'
Protein context (NP_001167560.1, residues 737-757): ETRLTSLGAS[Val747Ile]LVGLSLLLLP